The following is an entry in ClinVar:

NM_005094.4(SLC27A4):c.1060C>T (p.Gln354Ter)

Gene: SLC27A4 (solute carrier family 27 member 4; plus strand). Cytogenetic location: 9q34.11.
Variant type: single nucleotide variant.
Coding change: c.1060C>T on transcript NM_005094.4 (MANE Select); coding-DNA position 1060, C replaced by T.
Protein change: p.Gln354Ter; replaces glutamine 354 with a stop codon.
Molecular consequence: nonsense.
Genome position (GRCh38, 1-based): chr9:128,353,097, C>T. VCF-style: chr9-128353097-C-T. GRCh37 (hg19) VCF-style: chr9-131115376-C-T.
Other names: short protein forms Q354*.
Identifiers: ClinVar variation 2773196 (VCV002773196.3), dbSNP rs2539461916, ClinGen allele CA375034370.

ClinVar aggregate classification (germline): Pathogenic (1 of 4 stars; one submission).

Submission:

Labcorp Genetics (formerly Invitae), Labcorp
Classification: Pathogenic. Last evaluated: 2023-11-01. Review status: criteria provided, single submitter. Criteria: Invitae Variant Classification Sherloc (09022015). Collection method: clinical testing. Allele origin: germline.
Comment: This sequence change creates a premature translational stop signal (p.Gln354*) in the SLC27A4 gene. It is expected to result in an absent or disrupted protein product. Loss-of-function variants in SLC27A4 are known to be pathogenic (PMID: 19631310, 21450060). This variant is not present in population databases (gnomAD no frequency). This variant has not been reported in the literature in individuals affected with SLC27A4-related conditions. For these reasons, this variant has been classified as Pathogenic.

Literature cited by the submitters: PubMed 19631310; PubMed 21450060.